The following is an entry in ClinVar:

ClinVar aggregate classification (germline): Likely benign (1 of 4 stars; one submission).

Conditions:
CALR-related disorder. Also called: CALR-related condition.

Submission:

PreventionGenetics, part of Exact Sciences
Classification: Likely benign for CALR-related condition. Last evaluated: 2025-12-03. Review status: criteria provided, single submitter. Criteria: ACMG Guidelines, 2015. Collection method: clinical testing. Allele origin: germline.
Comment: This variant is classified as likely benign based on ACMG/AMP sequence variant interpretation guidelines (Richards et al. 2015 PMID: 25741868, with internal and published modifications).

NC_000019.10:g.12938411G>A

Genes: CALR (calreticulin; plus strand), LOC117125596 (CRISPRi-FlowFISH-validated RAD23A regulatory element 2; plus strand). Cytogenetic location: 19p13.13.
Variant type: single nucleotide variant.
Genome position: GRCh38 VCF-style: chr19-12938411-G-A. GRCh37 (hg19) VCF-style: chr19-13049225-G-A.
Identifiers: ClinVar variation 4979828 (VCV004979828.1).
Genomic context (GRCh38, chr19:12,938,411, plus strand): 5'-GCCCCCACCCCACCAGTGGGCGTCCCCCCCACGCGTGGTCGACCATCATTGGTCGGTGGT[G>A]AGGCCAATAGAAATCGGCCATCTGGGAACCCAGCGTTCCGAGGCGCAGCCTAACATAGTG-3'